The following is an entry in ClinVar:

NC_000010.10:g.(?_91005423)_(91007415_?)del

Gene: LIPA (lipase A, lysosomal acid type; minus strand). Cytogenetic location: 10q23.31.
Variant type: Deletion.
Identifiers: ClinVar variation 1076884 (VCV001076884.8).

ClinVar aggregate classification (germline): Pathogenic (1 of 4 stars; one submission).

Conditions:
Wolman disease (WOLD). Also called: LYSOSOMAL ACID LIPASE DEFICIENCY, ACUTE INFANTILE; LYSOSOMAL ACID LIPASE DEFICIENCY, COMPLETE; LIPA DEFICIENCY, COMPLETE; LAL DEFICIENCY, COMPLETE; CHOLESTEROL ESTER HYDROLASE DEFICIENCY, COMPLETE; Infantile-Onset LAL-D (Wolman Disease). Identifiers: Orphanet 75233, MedGen C0043208, MONDO:0019148, OMIM 620151.

Submission:

Labcorp Genetics (formerly Invitae), Labcorp
Classification: Pathogenic for Wolman disease. Last evaluated: 2020-06-28. Review status: criteria provided, single submitter. Criteria: Invitae Variant Classification Sherloc (09022015). Collection method: clinical testing. Allele origin: germline.
Comment: This variant has not been reported in the literature in individuals with LIPA-related conditions. This variant is a gross deletion of the genomic region encompassing exons 2-3 of the LIPA gene, which includes the initiator codon. The 5' end of this event is unknown as it extends beyond the assayed region for this gene and therefore may encompass additional genes. The 3' boundary is likely confined to intron 3 of the LIPA gene. This is expected to result in an absent or disrupted protein product. Loss-of-function variants in LIPA are known to be pathogenic (PMID: 23485521). For these reasons, this variant has been classified as Pathogenic.

Literature cited by the submitters: PubMed 23485521.